The following is an entry in ClinVar:

NM_021008.4(DEAF1):c.472G>A (p.Val158Met)

Gene: DEAF1 (DEAF1 transcription factor; minus strand). Cytogenetic location: 11p15.5.
Variant type: single nucleotide variant.
Coding change: c.472G>A on transcript NM_021008.4 (MANE Select); coding-DNA position 472, G replaced by A.
Protein change: p.Val158Met; replaces valine 158 with methionine.
Molecular consequence: missense variant. On other transcripts: 5 prime UTR variant (1).
Genome position (GRCh38, 1-based): chr11:688,376, C>T on the plus strand (G>A on the coding strand, the complement: DEAF1 is on the minus strand). VCF-style: chr11-688376-C-T. GRCh37 (hg19) VCF-style: chr11-688376-C-T.
Other names: c.472G>A, p.Val158Met (NM_001293634.2); c.-255G>A (NM_001367390.1); short protein forms V158M.
Identifiers: ClinVar variation 1485591 (VCV001485591.10), dbSNP rs200600001, ClinGen allele CA5786540.

ClinVar aggregate classification (germline): Conflicting classifications of pathogenicity. Review status: criteria provided, conflicting classifications (1 of 4 stars). 5 submissions from 5 submitters: Uncertain significance (4); Likely benign (1). Last evaluated 2025-10-28.

Conditions:
Intellectual disability. Also called: Intellectual functioning disability; Intellectual developmental disorder; intellectual disabilities. Identifiers: MedGen C3714756, MeSH D008607, MONDO:0001071, HP:0001249.
Inborn genetic diseases. Identifiers: MedGen C0950123, MeSH D030342.

Allele frequency attached by ClinVar (database versions not stated): ExAC 0.00009; gnomAD exomes 0.00015 and 0.00018; gnomAD 0.00017 and 0.00019; TOPMed 0.00019.
gnomAD v4.1: 291 of 1,613,768 alleles (0.018%); highest among the groups gnomAD compares: Non-Finnish European, 0.022%; no homozygotes.

Submissions (5):

Labcorp Genetics (formerly Invitae), Labcorp
Classification: Uncertain significance. Last evaluated: 2025-10-28. Review status: criteria provided, single submitter. Criteria: Invitae Variant Classification Sherloc (09022015). Collection method: clinical testing. Allele origin: germline.
Comment: This sequence change replaces valine, which is neutral and non-polar, with methionine, which is neutral and non-polar, at codon 158 of the DEAF1 protein (p.Val158Met). This variant is present in population databases (rs200600001, gnomAD 0.05%). This variant has not been reported in the literature in individuals affected with DEAF1-related conditions. ClinVar contains an entry for this variant (Variation ID: 1485591). Invitae Evidence Modeling of protein sequence and biophysical properties (such as structural, functional, and spatial information, amino acid conservation, physicochemical variation, residue mobility, and thermodynamic stability) has been performed for this missense variant. However, the output from this modeling did not meet the statistical confidence thresholds required to predict the impact of this variant on DEAF1 protein function. In summary, the available evidence is currently insufficient to determine the role of this variant in disease. Therefore, it has been classified as a Variant of Uncertain Significance.

GeneDx
Classification: Uncertain significance. Last evaluated: 2025-01-22. Review status: criteria provided, single submitter. Criteria: GeneDx Variant Classification Process June 2021. Collection method: clinical testing. Allele origin: germline. Affected: yes.
Comment: In silico analysis indicates that this missense variant does not alter protein structure/function; Has not been previously published as pathogenic or benign to our knowledge

ARUP Laboratories, Molecular Genetics and Genomics, ARUP Laboratories
Classification: Uncertain significance. Last evaluated: 2024-11-07. Review status: criteria provided, single submitter. Criteria: ARUP Molecular Germline Variant Investigation Process 2024. Collection method: clinical testing. Allele origin: germline.

Ambry Genetics
Classification: Likely benign for Inborn genetic diseases. Last evaluated: 2021-09-14. Review status: criteria provided, single submitter. Criteria: Ambry Variant Classification Scheme 2023. Collection method: clinical testing. Allele origin: germline.

Cambridge Genomics Laboratory, East Genomic Laboratory Hub, NHS Genomic Medicine Service
Classification: Uncertain significance for Intellectual disability. Last evaluated: 2020-06-06. Review status: criteria provided, single submitter. Criteria: ACGS Best Practice Guidelines for Variant Classification in Rare Disease 2020. Collection method: clinical testing. Allele origin: germline. Affected: yes. Observed: 1 variant allele.